The following is an entry in ClinVar:

NM_000821.7(GGCX):c.973_974delinsGA (p.Arg325Glu)

Gene: GGCX (gamma-glutamyl carboxylase; minus strand). Cytogenetic location: 2p11.2.
Variant type: Indel.
Coding change: c.973_974delinsGA on transcript NM_000821.7 (MANE Select); coding-DNA positions 973 to 974, CG replaced by GA.
Protein change: p.Arg325Glu; replaces arginine 325 with glutamic acid.
Molecular consequence: missense variant.
Genome position (GRCh38, 1-based): chr2:85,553,413-85,553,414, CG replaced by TC on the plus strand (CG replaced by GA on the coding strand, the reverse complement: GGCX is on the minus strand). VCF-style: chr2-85553413-CG-TC. GRCh37 (hg19) VCF-style: chr2-85780536-CG-TC.
Other names: c.802_803delinsGA, p.Arg268Glu (NM_001142269.4); short protein forms R325E, R268E.
Identifiers: ClinVar variation 1368095 (VCV001368095.5), dbSNP rs2103965951, ClinGen allele CA2573135895.

ClinVar aggregate classification (germline): Uncertain significance (1 of 4 stars; one submission).

Submission:

Labcorp Genetics (formerly Invitae), Labcorp
Classification: Uncertain significance. Last evaluated: 2021-06-08. Review status: criteria provided, single submitter. Criteria: Invitae Variant Classification Sherloc (09022015). Collection method: clinical testing. Allele origin: germline.
Comment: Algorithms developed to predict the effect of missense changes on protein structure and function are either unavailable or do not agree on the potential impact of this missense change (SIFT: "Not Available"; PolyPhen-2: "Benign"; Align-GVGD: "Not Available"). In summary, the available evidence is currently insufficient to determine the role of this variant in disease. Therefore, it has been classified as a Variant of Uncertain Significance. This variant has not been reported in the literature in individuals with GGCX-related conditions. This sequence change replaces arginine with glutamic acid at codon 325 of the GGCX protein (p.Arg325Glu). The arginine residue is weakly conserved and there is a small physicochemical difference between arginine and glutamic acid.